The following is an entry in ClinVar:

NM_015662.3(IFT172):c.5024T>C (p.Val1675Ala)

Genes: IFT172 (intraflagellar transport 172; minus strand), KRTCAP3 (keratinocyte associated protein 3; plus strand). Cytogenetic location: 2p23.3.
Variant type: single nucleotide variant.
Coding change: c.5024T>C on transcript NM_015662.3 (MANE Select); coding-DNA position 5024, T replaced by C.
Protein change: p.Val1675Ala; replaces valine 1675 with alanine.
Molecular consequence: missense variant. On other transcripts: intron variant (1).
Genome position (GRCh38, 1-based): chr2:27,445,340, A>G on the plus strand (T>C on the coding strand, the complement: IFT172 is on the minus strand). VCF-style: chr2-27445340-A-G. GRCh37 (hg19) VCF-style: chr2-27668207-A-G.
Other names: c.4958T>C, p.Val1653Ala (NM_001410739.1); c.*6-961A>G (NM_001168364.2); short protein forms V1675A, V1653A.
Identifiers: ClinVar variation 1494768 (VCV001494768.8), dbSNP rs774361785, ClinGen allele CA1579386.

ClinVar aggregate classification (germline): Uncertain significance. Review status: criteria provided, multiple submitters, no conflicts (2 of 4 stars). 2 submissions from 2 submitters: Uncertain significance (2). Last evaluated 2022-08-23.

Conditions:
Short-rib thoracic dysplasia 10 with or without polydactyly (SRTD10). Identifiers: Orphanet 474, MedGen C3810175, MONDO:0014284, OMIM 615630.
Retinitis pigmentosa 71 (RP71). Identifiers: Orphanet 791, MedGen C4225342, MONDO:0014618, OMIM 616394.

Allele frequency attached by ClinVar (database versions not stated): gnomAD exomes 0.00001 and 0.00002; ExAC 0.00003; gnomAD 0.00001.

Submissions (2):

Labcorp Genetics (formerly Invitae), Labcorp
Classification: Uncertain significance for Retinitis pigmentosa 71; Short-rib thoracic dysplasia 10 with or without polydactyly. Last evaluated: 2022-08-23. Review status: criteria provided, single submitter. Criteria: Invitae Variant Classification Sherloc (09022015). Collection method: clinical testing. Allele origin: germline.
Comment: This sequence change replaces valine, which is neutral and non-polar, with alanine, which is neutral and non-polar, at codon 1675 of the IFT172 protein (p.Val1675Ala). This variant is present in population databases (rs774361785, gnomAD 0.02%). This variant has not been reported in the literature in individuals affected with IFT172-related conditions. ClinVar contains an entry for this variant (Variation ID: 1494768). Algorithms developed to predict the effect of missense changes on protein structure and function are either unavailable or do not agree on the potential impact of this missense change (SIFT: "Deleterious"; PolyPhen-2: "Benign"; Align-GVGD: "Class C0"). In summary, the available evidence is currently insufficient to determine the role of this variant in disease. Therefore, it has been classified as a Variant of Uncertain Significance.

Blueprint Genetics
Classification: Uncertain significance. Last evaluated: 2018-11-09. Review status: criteria provided, single submitter. Criteria: ACMG Guidelines, 2015. Collection method: clinical testing. Allele origin: germline.